The following is an entry in ClinVar:

Conditions:
Arteriohepatic dysplasia. Also called: Alagille Syndrome. Identifiers: Orphanet 52, MedGen C0085280, MeSH D016738, MONDO:0007318.

Submission:

Gilbert/Spinner Lab, Children's Hospital of Philadelphia
No classification provided (evidence only). Condition: Alagille syndrome. Review status: no classification provided. Collection method: research. Allele origin: not applicable. Functional consequence: functionally_abnormal.
ClinVar note: "not provided" was previously submitted as the classification for the variant. However, the classification appeared to be based only on an observation of functional data so it was converted to no classification on 2025-07-30.

NM_000214.3(JAG1):c.934T>A (p.Cys312Ser)

Gene: JAG1 (jagged canonical Notch ligand 1; minus strand). Cytogenetic location: 20p12.2.
Variant type: single nucleotide variant.
Coding change: c.934T>A on transcript NM_000214.3 (MANE Select); coding-DNA position 934, T replaced by A.
Protein change: p.Cys312Ser; replaces cysteine 312 with serine.
Molecular consequence: missense variant.
Genome position (GRCh38, 1-based): chr20:10,652,203, A>T on the plus strand (T>A on the coding strand, the complement: JAG1 is on the minus strand). VCF-style: chr20-10652203-A-T. GRCh37 (hg19) VCF-style: chr20-10632851-A-T.
Other names: short protein forms C312S.
Identifiers: ClinVar variation 3573195 (VCV003573195.2).